The following is an entry in ClinVar:

NM_130797.4(DPP6):c.1257G>T (p.Thr419=)

Gene: DPP6 (dipeptidyl peptidase like 6; plus strand). Cytogenetic location: 7q36.2.
Variant type: single nucleotide variant.
Coding change: c.1257G>T on transcript NM_130797.4 (MANE Select); coding-DNA position 1257, G replaced by T.
Protein change: p.Thr419=; no amino-acid change (threonine 419 retained).
Molecular consequence: synonymous variant. On other transcripts: non-coding transcript variant (2).
Genome position (GRCh38, 1-based): chr7:154,794,199, G>T. VCF-style: chr7-154794199-G-T. GRCh37 (hg19) VCF-style: chr7-154585909-G-T.
Other names: c.1065G>T, p.Thr355= (NM_001039350.3, NM_001364501.2); c.936G>T, p.Thr312= (NM_001290252.2); c.1074G>T, p.Thr358= (NM_001364497.2, NM_001364498.2, NM_001364499.2 and 1 more transcripts); c.1071G>T, p.Thr357= (NM_001936.5).
Identifiers: ClinVar variation 3035746 (VCV003035746.2), dbSNP rs759903047, ClinGen allele CA4583454.

ClinVar aggregate classification (germline): Likely benign (0 of 4 stars; one submission).

Conditions:
DPP6-related disorder. Also called: DPP6-related condition.

Allele frequency attached by ClinVar (database versions not stated): ExAC 0.00004.
gnomAD v4.1: 56 of 1,607,548 alleles (0.0035%); highest among the groups gnomAD compares: African/African-American, 0.074%; no homozygotes.

Submission:

PreventionGenetics, part of Exact Sciences
Classification: Likely benign for DPP6-related condition. Last evaluated: 2019-08-09. Review status: no assertion criteria provided. Collection method: clinical testing. Allele origin: germline.
Comment: This variant is classified as likely benign based on ACMG/AMP sequence variant interpretation guidelines (Richards et al. 2015 PMID: 25741868, with internal and published modifications).